The following is an entry in ClinVar:

ClinVar aggregate classification (germline): Uncertain significance (1 of 4 stars; one submission).

Conditions:
Epileptic encephalopathy. Identifiers: MedGen C0543888, HP:0200134.

Submission:

Labcorp Genetics (formerly Invitae), Labcorp
Classification: Uncertain significance for Epileptic encephalopathy. Last evaluated: 2023-02-16. Review status: criteria provided, single submitter. Criteria: Invitae Variant Classification Sherloc (09022015). Collection method: clinical testing. Allele origin: germline.
Comment: This sequence change replaces methionine, which is neutral and non-polar, with threonine, which is neutral and polar, at codon 75 of the FASN protein (p.Met75Thr). This variant is not present in population databases (gnomAD no frequency). This variant has not been reported in the literature in individuals affected with FASN-related conditions. An algorithm developed to predict the effect of missense changes on protein structure and function (PolyPhen-2) suggests that this variant is likely to be disruptive. In summary, the available evidence is currently insufficient to determine the role of this variant in disease. Therefore, it has been classified as a Variant of Uncertain Significance.

NM_004104.5(FASN):c.224T>C (p.Met75Thr)

Gene: FASN (fatty acid synthase; minus strand). Cytogenetic location: 17q25.3.
Variant type: single nucleotide variant.
Coding change: c.224T>C on transcript NM_004104.5 (MANE Select); coding-DNA position 224, T replaced by C.
Protein change: p.Met75Thr; replaces methionine 75 with threonine.
Molecular consequence: missense variant.
Genome position (GRCh38, 1-based): chr17:82,095,376, A>G on the plus strand (T>C on the coding strand, the complement: FASN is on the minus strand). VCF-style: chr17-82095376-A-G. GRCh37 (hg19) VCF-style: chr17-80053252-A-G.
Other names: short protein forms M75T.
Identifiers: ClinVar variation 2838309 (VCV002838309.3), dbSNP rs2509848537, ClinGen allele CA401566107.